The following is an entry in ClinVar:

NM_001355436.2(SPTB):c.3151C>T (p.Gln1051Ter)

Gene: SPTB (spectrin beta, erythrocytic; minus strand). Cytogenetic location: 14q23.3.
Variant type: single nucleotide variant.
Coding change: c.3151C>T on transcript NM_001355436.2 (MANE Select); coding-DNA position 3151, C replaced by T.
Protein change: p.Gln1051Ter; replaces glutamine 1051 with a stop codon.
Molecular consequence: nonsense.
Genome position (GRCh38, 1-based): chr14:64,786,814, G>A on the plus strand (C>T on the coding strand, the complement: SPTB is on the minus strand). VCF-style: chr14-64786814-G-A. GRCh37 (hg19) VCF-style: chr14-65253532-G-A.
Other names: c.3151C>T, p.Gln1051Ter (NM_001024858.4, NM_001355437.2); short protein forms Q1051*.
Identifiers: ClinVar variation 4992935 (VCV004992935.1).

ClinVar aggregate classification (germline): Likely pathogenic (1 of 4 stars; one submission).

Conditions:
SPTB-related disorder. Also called: SPTB-related condition; SPTB-Related Disorders.

Submission:

PreventionGenetics, part of Exact Sciences
Classification: Likely pathogenic for SPTB-related condition. Last evaluated: 2026-08-19. Review status: criteria provided, single submitter. Criteria: ACMG Guidelines, 2015. Collection method: clinical testing. Allele origin: germline.
Comment: The SPTB c.3151C>T variant is predicted to result in premature protein termination (p.Gln1051*). This variant has been reported in the heterozygous state in a study of individuals with suspected hereditary hemolytic anemia (Agarwal et al. 2016. PubMed ID: 27292444). This variant has not been reported in a large population database (gnomAD), indicating this variant is rare. Nonsense variants in SPTB are expected to be pathogenic. This variant is interpreted as likely pathogenic.